The following is an entry in ClinVar:

NM_001077350.3(NPRL3):c.1648G>A (p.Val550Met)

Gene: NPRL3 (NPR3 like, GATOR1 complex subunit; minus strand). Cytogenetic location: 16p13.3.
Variant type: single nucleotide variant.
Coding change: c.1648G>A on transcript NM_001077350.3 (MANE Select); coding-DNA position 1648, G replaced by A.
Protein change: p.Val550Met; replaces valine 550 with methionine.
Molecular consequence: missense variant.
Genome position (GRCh38, 1-based): chr16:86,767, C>T on the plus strand (G>A on the coding strand, the complement: NPRL3 is on the minus strand). VCF-style: chr16-86767-C-T. GRCh37 (hg19) VCF-style: chr16-136766-C-T.
Other names: c.1111G>A, p.Val371Met (NM_001039476.3); c.1414G>A, p.Val472Met (NM_001243247.2); c.1573G>A, p.Val525Met (NM_001243248.2, NM_001243249.2); short protein forms V472M, V525M, V371M, V550M.
Identifiers: ClinVar variation 851562 (VCV000851562.47), dbSNP rs188724206, ClinGen allele CA7769249.

ClinVar aggregate classification (germline): Uncertain significance. Review status: criteria provided, multiple submitters, no conflicts (2 of 4 stars). 4 submissions from 4 submitters: Uncertain significance (4). Last evaluated 2025-10-22.

Conditions:
Epilepsy, familial focal, with variable foci 3 (FFEVF3). Identifiers: MedGen C4310708, MONDO:0014925, OMIM 617118.

Allele frequency attached by ClinVar (database versions not stated): TOPMed 0.00014.
gnomAD v4.1: 145 of 1,596,002 alleles (0.0091%); highest among the groups gnomAD compares: Non-Finnish European, 0.011%; no homozygotes.

Submissions (4):

Labcorp Genetics (formerly Invitae), Labcorp
Classification: Uncertain significance for Epilepsy, familial focal, with variable foci 3. Last evaluated: 2025-10-22. Review status: criteria provided, single submitter. Criteria: Invitae Variant Classification Sherloc (09022015). Collection method: clinical testing. Allele origin: germline.
Comment: This sequence change replaces valine, which is neutral and non-polar, with methionine, which is neutral and non-polar, at codon 550 of the NPRL3 protein (p.Val550Met). This variant is present in population databases (rs188724206, gnomAD 0.01%). This variant has not been reported in the literature in individuals affected with NPRL3-related conditions. ClinVar contains an entry for this variant (Variation ID: 851562). Invitae Evidence Modeling of protein sequence and biophysical properties (such as structural, functional, and spatial information, amino acid conservation, physicochemical variation, residue mobility, and thermodynamic stability) has been performed for this missense variant. However, the output from this modeling did not meet the statistical confidence thresholds required to predict the impact of this variant on NPRL3 protein function. In summary, the available evidence is currently insufficient to determine the role of this variant in disease. Therefore, it has been classified as a Variant of Uncertain Significance.

GeneDx
Classification: Uncertain significance. Last evaluated: 2025-07-18. Review status: criteria provided, single submitter. Criteria: GeneDx Variant Classification Process June 2021. Collection method: clinical testing. Allele origin: germline. Affected: yes.
Comment: In silico analysis supports that this missense variant has a deleterious effect on protein structure/function; Has not been previously published as pathogenic or benign to our knowledge

CeGaT Center for Human Genetics Tuebingen
Classification: Uncertain significance. Last evaluated: 2025-04-01. Review status: criteria provided, single submitter. Criteria: CeGaT Center For Human Genetics Tuebingen Variant Classification Criteria Version 2. Collection method: clinical testing. Allele origin: germline. Affected: yes. Observed: 5 variant alleles.

Illumina Laboratory Services, Illumina
Classification: Uncertain significance for Epilepsy, familial focal, with variable foci 3. Last evaluated: 2020-08-05. Review status: criteria provided, single submitter. Criteria: ICSLVariantClassificationCriteria RUGD 01 April 2020. Collection method: clinical testing. Allele origin: unknown.
Comment: The NPRL3 c.1648G>A (p.Val550Met) variant is a missense variant. A literature search was performed for the gene, cDNA change, and amino acid change. No publications were found based on this search. This variant is not found in the Genome Aggregation Database and is in a region of good sequence coverage, so the variant is presumed to be rare. This amino acid position is highly conserved. Based on the limited evidence, the p.Val550Met variant is classified as a variant of uncertain significance for familial focal epilepsy with variable foci.